The following is an entry in ClinVar:

ClinVar aggregate classification (germline): Uncertain significance (1 of 4 stars; one submission).

Submission:

Labcorp Genetics (formerly Invitae), Labcorp
Classification: Uncertain significance. Last evaluated: 2026-01-12. Review status: criteria provided, single submitter. Criteria: Invitae Variant Classification Sherloc (09022015). Collection method: clinical testing. Allele origin: germline.
Comment: This sequence change replaces asparagine, which is neutral and polar, with serine, which is neutral and polar, at codon 522 of the EPAS1 protein (p.Asn522Ser). This variant is present in population databases (rs755032969, gnomAD 0.03%). This missense change has been observed in individual(s) with pheochromocytoma and paragangliomas (PMID: 33397043). An algorithm developed to predict the effect of missense changes on protein structure and function outputs the following: PolyPhen-2: "Benign". The serine amino acid residue is found in multiple mammalian species, which suggests that this missense change does not adversely affect protein function. In summary, the available evidence is currently insufficient to determine the role of this variant in disease. Therefore, it has been classified as a Variant of Uncertain Significance.

Literature cited by the submitters: PubMed 33397043.

NM_001430.5(EPAS1):c.1565A>G (p.Asn522Ser)

Gene: EPAS1 (endothelial PAS domain protein 1; plus strand). Cytogenetic location: 2p21.
Variant type: single nucleotide variant.
Coding change: c.1565A>G on transcript NM_001430.5 (MANE Select); coding-DNA position 1565, A replaced by G.
Protein change: p.Asn522Ser; replaces asparagine 522 with serine.
Molecular consequence: missense variant.
Genome position (GRCh38, 1-based): chr2:46,380,237, A>G. VCF-style: chr2-46380237-A-G. GRCh37 (hg19) VCF-style: chr2-46607376-A-G.
Other names: short protein forms N522S.
Identifiers: ClinVar variation 4693461 (VCV004693461.1).